The following is an entry in ClinVar:

NM_001256789.3(CACNA1F):c.1651+6C>T

Gene: CACNA1F (calcium voltage-gated channel subunit alpha1 F; minus strand). Cytogenetic location: Xp11.23.
Variant type: single nucleotide variant.
Coding change: c.1651+6C>T on transcript NM_001256789.3 (MANE Select); 6 bases into the intron after coding-DNA position 1651, C replaced by T.
Molecular consequence: intron variant.
Genome position (GRCh38, 1-based): chrX:49,225,903, G>A on the plus strand (C>T on the coding strand, the complement: CACNA1F is on the minus strand). VCF-style: chrX-49225903-G-A. GRCh37 (hg19) VCF-style: chrX-49082365-G-A.
Other names: c.1684+6C>T (NM_005183.4); c.1489+6C>T (NM_001256790.3).
Identifiers: ClinVar variation 957178 (VCV000957178.10), dbSNP rs372176200, ClinGen allele CA10410814.

ClinVar aggregate classification (germline): Conflicting classifications of pathogenicity. Review status: criteria provided, conflicting classifications (1 of 4 stars). 2 submissions from 2 submitters: Uncertain significance (1); Likely benign (1). Last evaluated 2025-11-08.

Allele frequency attached by ClinVar (database versions not stated): gnomAD exomes 0.00002 and 0.00005; gnomAD 0.00003; TOPMed 0.00004; ExAC 0.00007; ESP Exome Variant Server 0.00010.
gnomAD v4.1: 55 of 1,164,338 alleles (0.0047%); highest among the groups gnomAD compares: Non-Finnish European, 0.0061%; no homozygotes.

Submissions (2):

Labcorp Genetics (formerly Invitae), Labcorp
Classification: Uncertain significance. Last evaluated: 2025-11-08. Review status: criteria provided, single submitter. Criteria: Invitae Variant Classification Sherloc (09022015). Collection method: clinical testing. Allele origin: germline.
Comment: This sequence change falls in intron 13 of the CACNA1F gene. It does not directly change the encoded amino acid sequence of the CACNA1F protein. It affects a nucleotide within the consensus splice site. This variant is present in population databases (rs372176200, gnomAD 0.007%). This variant has not been reported in the literature in individuals affected with CACNA1F-related conditions. ClinVar contains an entry for this variant (Variation ID: 957178). Variants that disrupt the consensus splice site are a relatively common cause of aberrant splicing (PMID: 17576681, 9536098). Algorithms developed to predict the effect of sequence changes on RNA splicing suggest that this variant is not likely to affect RNA splicing. In summary, the available evidence is currently insufficient to determine the role of this variant in disease. Therefore, it has been classified as a Variant of Uncertain Significance.

Blueprint Genetics
Classification: Likely benign. Last evaluated: 2020-09-15. Review status: criteria provided, single submitter. Criteria: ACMG Guidelines, 2015. Collection method: clinical testing. Allele origin: germline.

Literature cited by the submitters: PubMed 17576681 (cited by Labcorp Genetics (formerly Invitae), Labcorp); PubMed 9536098 (cited by Labcorp Genetics (formerly Invitae), Labcorp).